The following is an entry in ClinVar:

ClinVar aggregate classification (germline): Likely benign (1 of 4 stars; one submission).

gnomAD v4.1: 538 of 1,613,880 alleles (0.033%); highest among the groups gnomAD compares: Non-Finnish European, 0.043%; no homozygotes.

Submission:

CeGaT Center for Human Genetics Tuebingen
Classification: Likely benign. Last evaluated: 2026-02-01. Review status: criteria provided, single submitter. Criteria: CeGaT Center For Human Genetics Tuebingen Variant Classification Criteria Version 2. Collection method: clinical testing. Allele origin: germline. Affected: yes. Observed: 1 variant allele.
Comment: CEP85L: BP4, BP7

NM_001042475.3(CEP85L):c.1479A>G (p.Lys493=)

Gene: CEP85L (centrosomal protein 85L; minus strand). Cytogenetic location: 6q22.31.
Variant type: single nucleotide variant.
Coding change: c.1479A>G on transcript NM_001042475.3 (MANE Select); coding-DNA position 1479, A replaced by G.
Protein change: p.Lys493=; no amino-acid change (lysine 493 retained).
Molecular consequence: synonymous variant.
Genome position (GRCh38, 1-based): chr6:118,483,817, T>C on the plus strand (A>G on the coding strand, the complement: CEP85L is on the minus strand). VCF-style: chr6-118483817-T-C. GRCh37 (hg19) VCF-style: chr6-118804980-T-C.
Other names: c.1488A>G, p.Lys496= (NM_001178035.2).
Identifiers: ClinVar variation 4821227 (VCV004821227.4).
Genomic context (GRCh38, chr6:118,483,817, plus strand): 5'-CTTTTCCAAGGTCTCAATTCTTCTCTGCTTTTCTTTGTTTTGTTCAGATTCCTTCTGGCA[T>C]TTCTTTTTCAGACTACTGATGTATCGATCTCTAGTTTTAAGCTAAAAGCAAACAATTATG-3'
Protein context (NP_001035940.1, residues 483-503): RDRYISSLKK[Lys493=]CQKESEQNKE